The following is an entry in ClinVar:

NM_000059.4(BRCA2):c.3716_3717del (p.Lys1239fs)

Gene: BRCA2 (BRCA2 DNA repair associated; plus strand). Cytogenetic location: 13q13.1.
Variant type: Deletion.
Coding change: c.3716_3717del on transcript NM_000059.4 (MANE Select); coding-DNA positions 3716 to 3717, 2 bases deleted (AA; older notation c.3716_3717delAA).
Protein change: p.Lys1239fs; shifts the reading frame from lysine 1239.
Molecular consequence: frameshift variant.
Genome position (GRCh38, 1-based): chr13:32,338,071-32,338,072, AA deleted; deleting any 2 consecutive bases within chr13:32,338,070-32,338,072 gives the same sequence; the c. name uses the placement nearest the transcript's 3' end. VCF-style (leftmost placement, unchanged base first): chr13-32338069-GAA-G. GRCh37 (hg19) VCF-style: chr13-32912206-GAA-G.
Other names: c.3716_3717delAA (NM_000059.3); short protein forms K1239fs.
Identifiers: ClinVar variation 1070128 (VCV001070128.14), dbSNP rs80359401, ClinGen allele CA2499222144.
Genomic context (GRCh38, chr13:32,338,069, plus strand): 5'-CTTTTATTCTGCTCATGGCACAAAACTGAATGTTTCTACTGAAGCTCTGCAAAAAGCTGT[GAA>G]ACTGTTTAGTGATATTGAGAATATTAGTGAGGAAACTTCTGCAGAGGTACATCCAATAAG-3'

ClinVar aggregate classification (germline): Pathogenic. Review status: criteria provided, multiple submitters, no conflicts (2 of 4 stars). 5 submissions from 5 submitters: Pathogenic (4). 1 of the submissions does not count toward it. Last evaluated 2026-01-26.

Conditions:
Hereditary cancer-predisposing syndrome. Also called: Tumor predisposition; Neoplastic Syndromes, Hereditary; Hereditary neoplastic syndrome; Hereditary Cancer Syndrome. Identifiers: Orphanet 140162, MedGen C0027672, MeSH D009386, MONDO:0015356.
Hereditary breast ovarian cancer syndrome. Also called: Hereditary breast and ovarian cancer syndrome (HBOC); Hereditary breast and/or ovarian cancer syndrome; Hereditary breast and ovarian cancer; Breast and ovarian cancer; Hereditary breast and ovarian cancer syndrome; BRCA1- and BRCA2-Associated Hereditary Breast and Ovarian Cancer. Identifiers: Orphanet 145, MedGen C0677776, MeSH D061325, MONDO:0003582. Disease mechanism: loss of function.
Breast-ovarian cancer, familial, susceptibility to, 2 (BROVCA2). Also called: BRCA2 Hereditary Breast and Ovarian Cancer. Identifiers: Orphanet 145, MedGen C2675520, MONDO:0012933, OMIM 612555. Disease mechanism: loss of function.
Familial cancer of breast. Also called: Hereditary breast cancer; BREAST CANCER, FAMILIAL; hereditary breast carcinoma. Identifiers: Orphanet 227535, MedGen C0346153, MONDO:0016419, OMIM 114480. Disease mechanism: loss of function.

Submissions (5):

Labcorp Genetics (formerly Invitae), Labcorp
Classification: Pathogenic for Hereditary breast ovarian cancer syndrome. Last evaluated: 2026-01-26. Review status: criteria provided, single submitter. Criteria: Invitae Variant Classification Sherloc (09022015). Collection method: clinical testing. Allele origin: germline.
Comment: This sequence change creates a premature translational stop signal (p.Lys1239Thrfs*3) in the BRCA2 gene. It is expected to result in an absent or disrupted protein product. Loss-of-function variants in BRCA2 are known to be pathogenic (PMID: 20104584). This variant is not present in population databases (gnomAD no frequency). This variant has not been reported in the literature in individuals affected with BRCA2-related conditions. ClinVar contains an entry for this variant (Variation ID: 1070128). For these reasons, this variant has been classified as Pathogenic.

Ambry Genetics
Classification: Pathogenic for Hereditary cancer-predisposing syndrome. Last evaluated: 2025-08-21. Review status: criteria provided, single submitter. Criteria: Ambry Variant Classification Scheme 2023. Collection method: clinical testing. Allele origin: germline.
Comment: The c.3716_3717delAA pathogenic mutation, located in coding exon 10 of the BRCA2 gene, results from a deletion of two nucleotides at nucleotide positions 3716 to 3717, causing a translational frameshift with a predicted alternate stop codon (p.K1239Tfs*3). This variant is considered to be rare based on population cohorts in the Genome Aggregation Database (gnomAD). This alteration is expected to result in loss of function by premature protein truncation or nonsense-mediated mRNA decay. As such, this alteration is interpreted as a disease-causing mutation.

Myriad Genetics, Inc.
Classification: Pathogenic for Breast-ovarian cancer, familial, susceptibility to, 2. Last evaluated: 2025-08-14. Review status: criteria provided, single submitter. Criteria: Myriad Autosomal Dominant, Autosomal Recessive and X-Linked Classification Criteria (2023). Collection method: clinical testing. Allele origin: unknown.
Comment: This variant is considered pathogenic. This variant creates a frameshift predicted to result in premature protein truncation.

Baylor Genetics
Classification: Pathogenic for Familial cancer of breast. Last evaluated: 2023-08-18. Review status: criteria provided, single submitter. Criteria: ACMG Guidelines, 2015. Collection method: clinical testing. Allele origin: unknown.

Center for Precision Medicine, Meizhou People's Hospital
Classification: Pathogenic for Familial cancer of breast. Review status: no assertion criteria provided. Collection method: literature only. Allele origin: germline. Affected: yes. Not counted in ClinVar's aggregate classification.

Literature cited by the submitters: PubMed 20104584 (cited by Labcorp Genetics (formerly Invitae), Labcorp and Center for Precision Medicine, Meizhou People's Hospital).